The following is an entry in ClinVar:

ClinVar aggregate classification (germline): Uncertain significance (1 of 4 stars; one submission).

Conditions:
Hereditary breast ovarian cancer syndrome. Also called: Hereditary breast and ovarian cancer syndrome; Hereditary breast and ovarian cancer syndrome (HBOC); BRCA1- and BRCA2-Associated Hereditary Breast and Ovarian Cancer; Hereditary breast and ovarian cancer; Breast and ovarian cancer; Hereditary breast and/or ovarian cancer syndrome. Identifiers: Orphanet 145, MedGen C0677776, MeSH D061325, MONDO:0003582. Disease mechanism: loss of function.

Submission:

Labcorp Genetics (formerly Invitae), Labcorp
Classification: Uncertain significance for Hereditary breast ovarian cancer syndrome. Last evaluated: 2025-01-15. Review status: criteria provided, single submitter. Criteria: Invitae Variant Classification Sherloc (09022015). Collection method: clinical testing. Allele origin: germline.
Comment: This sequence change replaces cysteine, which is neutral and slightly polar, with serine, which is neutral and polar, at codon 138 of the BRCA2 protein (p.Cys138Ser). This variant is not present in population databases (gnomAD no frequency). This variant has not been reported in the literature in individuals affected with BRCA2-related conditions. Invitae Evidence Modeling of protein sequence and biophysical properties (such as structural, functional, and spatial information, amino acid conservation, physicochemical variation, residue mobility, and thermodynamic stability) indicates that this missense variant is not expected to disrupt BRCA2 protein function with a negative predictive value of 95%. In summary, the available evidence is currently insufficient to determine the role of this variant in disease. Therefore, it has been classified as a Variant of Uncertain Significance.

NM_000059.4(BRCA2):c.412T>A (p.Cys138Ser)

Gene: BRCA2 (BRCA2 DNA repair associated; plus strand). Cytogenetic location: 13q13.1.
Variant type: single nucleotide variant.
Coding change: c.412T>A on transcript NM_000059.4 (MANE Select); coding-DNA position 412, T replaced by A.
Protein change: p.Cys138Ser; replaces cysteine 138 with serine.
Molecular consequence: missense variant. On other transcripts: non-coding transcript variant (1).
Genome position (GRCh38, 1-based): chr13:32,325,171, T>A. VCF-style: chr13-32325171-T-A. GRCh37 (hg19) VCF-style: chr13-32899308-T-A.
Other names: c.412T>A, p.Cys138Ser (NM_001406719.1, NM_001406720.1, NM_001406721.1 and 1 more transcripts); c.43T>A, p.Cys15Ser (NM_001406722.1); short protein forms C138S, C15S.
Identifiers: ClinVar variation 3636409 (VCV003636409.2).
Genomic context (GRCh38, chr13:32,325,171, plus strand): 5'-CGCACAGTGAAAACTAAAATGGATCAAGCAGATGATGTTTCCTGTCCACTTCTAAATTCT[T>A]GTCTTAGTGAAAGGTATGATGAAGCTATTATATTAAAATATTTAAATGAAACATTTTCCT-3'
Protein context (NP_000050.3, residues 128-148): DDVSCPLLNS[Cys138Ser]LSESPVVLQC